The following is an entry in ClinVar:

NM_004563.4(PCK2):c.1430C>T (p.Ala477Val)

Genes: NRL (neural retina leucine zipper; minus strand), PCK2 (phosphoenolpyruvate carboxykinase 2, mitochondrial; plus strand). Cytogenetic location: 14q12.
Variant type: single nucleotide variant.
Coding change: c.1430C>T on transcript NM_004563.4 (MANE Select); coding-DNA position 1430, C replaced by T.
Protein change: p.Ala477Val; replaces alanine 477 with valine.
Molecular consequence: missense variant. On other transcripts: intron variant (3).
Genome position (GRCh38, 1-based): chr14:24,103,217, C>T. VCF-style: chr14-24103217-C-T. GRCh37 (hg19) VCF-style: chr14-24572426-C-T.
Other names: c.1028C>T, p.Ala343Val (NM_001291556.2, NM_001308054.2); c.-28+11505G>A (NM_001354768.3, NM_001354770.2); c.-254+11505G>A (NM_006177.5); short protein forms A477V, A343V.
Identifiers: ClinVar variation 1471733 (VCV001471733.6), dbSNP rs1183475079, ClinGen allele CA389205503.

ClinVar aggregate classification (germline): Uncertain significance (1 of 4 stars; one submission).

Allele frequency attached by ClinVar (database versions not stated): gnomAD exomes below 0.00001; TOPMed below 0.00001.
gnomAD v4.1: 1 of 1,614,108 alleles (0.000062%); no homozygotes.

Submission:

Labcorp Genetics (formerly Invitae), Labcorp
Classification: Uncertain significance. Last evaluated: 2021-12-07. Review status: criteria provided, single submitter. Criteria: Invitae Variant Classification Sherloc (09022015). Collection method: clinical testing. Allele origin: germline.
Comment: This sequence change replaces alanine, which is neutral and non-polar, with valine, which is neutral and non-polar, at codon 477 of the PCK2 protein (p.Ala477Val). This variant is present in population databases (no rsID available, gnomAD 0.01%). This variant has not been reported in the literature in individuals affected with PCK2-related conditions. Algorithms developed to predict the effect of missense changes on protein structure and function are either unavailable or do not agree on the potential impact of this missense change (SIFT: "Deleterious"; PolyPhen-2: "Benign"; Align-GVGD: "Class C15"). In summary, the available evidence is currently insufficient to determine the role of this variant in disease. Therefore, it has been classified as a Variant of Uncertain Significance.